The following is an entry in ClinVar:

ClinVar aggregate classification (germline): Pathogenic (1 of 4 stars; one submission).

Conditions:
Dilated cardiomyopathy 1AA (CMD1AA). Also called: Cardiomyopathy, dilated, 1AA, with or without LVNC; CARDIOMYOPATHY, DILATED, 1AA, WITH OR WITHOUT LEFT VENTRICULAR NONCOMPACTION; CARDIOMYOPATHY, FAMILIAL HYPERTROPHIC, 23, WITH OR WITHOUT LEFT VENTRICULAR NONCOMPACTION. Identifiers: Orphanet 154, MedGen C2677338, MONDO:0012808, OMIM 612158.

Submission:

Institute of Human Genetics, University of Leipzig Medical Center
Classification: Pathogenic for Dilated cardiomyopathy 1AA. Last evaluated: 2026-04-14. Review status: criteria provided, single submitter. Criteria: ACMG Guidelines, 2015. Collection method: clinical testing. Allele origin: unknown. Inheritance: Autosomal dominant inheritance. Affected: yes.
Comment: Criteria applied: PVS1,PM2

NM_001103.4(ACTN2):c.616-1G>C

Gene: ACTN2 (actinin alpha 2; plus strand). Cytogenetic location: 1q43.
Variant type: single nucleotide variant.
Coding change: c.616-1G>C on transcript NM_001103.4 (MANE Select); the canonical splice acceptor site of the intron before coding-DNA position 616, G replaced by C.
Molecular consequence: splice acceptor variant.
Genome position (GRCh38, 1-based): chr1:236,731,232, G>C. VCF-style: chr1-236731232-G-C. GRCh37 (hg19) VCF-style: chr1-236894532-G-C.
Other names: c.616-1G>C (NM_001278343.2).
Identifiers: ClinVar variation 4857462 (VCV004857462.1).
Genomic context (GRCh38, chr1:236,731,232, plus strand): 5'-TCTTCATAAGTCTTGTTTCAAAATATATTTTAAAAATCTGACTGTCTTGGTTTTCATACA[G>C]GATGACCCCATAGGAAATATTAACCTGGCCATGGAAATCGCTGAGAAGCACCTGGATATT-3'